The following is an entry in ClinVar:

ClinVar aggregate classification (germline): Likely benign (1 of 4 stars; one submission).

gnomAD v4.1: 13 of 1,610,206 alleles (0.00081%); highest among the groups gnomAD compares: African/African-American, 0.0054%; no homozygotes.

Submission:

CeGaT Center for Human Genetics Tuebingen
Classification: Likely benign. Last evaluated: 2025-10-01. Review status: criteria provided, single submitter. Criteria: CeGaT Center For Human Genetics Tuebingen Variant Classification Criteria Version 2. Collection method: clinical testing. Allele origin: germline. Affected: yes. Observed: 1 variant allele.
Comment: CHD3: BP4, BS2

NM_001005273.3(CHD3):c.5775C>T (p.Tyr1925=)

Gene: CHD3 (chromodomain helicase DNA binding protein 3; plus strand). Cytogenetic location: 17p13.1.
Variant type: single nucleotide variant.
Coding change: c.5775C>T on transcript NM_001005273.3 (MANE Select); coding-DNA position 5775, C replaced by T.
Protein change: p.Tyr1925=; no amino-acid change (tyrosine 1925 retained).
Molecular consequence: synonymous variant. On other transcripts: missense variant (1).
Genome position (GRCh38, 1-based): chr17:7,910,867, C>T. VCF-style: chr17-7910867-C-T. GRCh37 (hg19) VCF-style: chr17-7814185-C-T.
Other names: c.5952C>T, p.Tyr1984= (NM_001005271.3); c.5998C>T, p.Arg2000Cys (NM_001437504.1); c.5940C>T, p.Tyr1980= (NM_001437507.1); c.5838C>T, p.Tyr1946= (NM_001437508.1); c.5943C>T, p.Tyr1981= (NM_001437509.1); c.5673C>T, p.Tyr1891= (NM_005852.4); short protein forms R2000C.
Identifiers: ClinVar variation 4534693 (VCV004534693.6).